The following is an entry in ClinVar:

NM_001649.4(SHROOM2):c.3657C>A (p.Ser1219Arg)

Gene: SHROOM2 (shroom family member 2; plus strand). Cytogenetic location: Xp22.2.
Variant type: single nucleotide variant.
Coding change: c.3657C>A on transcript NM_001649.4 (MANE Select); coding-DNA position 3657, C replaced by A.
Protein change: p.Ser1219Arg; replaces serine 1219 with arginine.
Molecular consequence: missense variant.
Genome position (GRCh38, 1-based): chrX:9,937,203, C>A. VCF-style: chrX-9937203-C-A. GRCh37 (hg19) VCF-style: chrX-9905243-C-A.
Other names: c.162C>A, p.Ser54Arg (NM_001320663.2, NM_001320664.2); short protein forms S1219R, S54R.
Identifiers: ClinVar variation 3035257 (VCV003035257.2), dbSNP rs184423737, ClinGen allele CA10345810.
Genomic context (GRCh38, chrX:9,937,203, plus strand): 5'-GGTGATGGACAACAACACCACGGTGAAGATGGTGCCCATCAAGATCGTGCACTCGGAGAG[C>A]CAGCCAGAGAAGGAGAGCCGCCAGAGCCTGGCATGCCCCGCCGAGCCACCTGCCCTGCCC-3'
Protein context (NP_001640.1, residues 1209-1229): MVPIKIVHSE[Ser1219Arg]QPEKESRQSL

ClinVar aggregate classification (germline): Likely benign (0 of 4 stars; one submission).

Conditions:
SHROOM2-related disorder. Also called: SHROOM2-related condition.

Allele frequency attached by ClinVar (database versions not stated): gnomAD 0.00006; gnomAD exomes 0.00010; TOPMed 0.00011; 1000 Genomes Project 30x 0.00021; 1000 Genomes Project 0.00026; ExAC 0.00037.
gnomAD v4.1: 114 of 1,203,851 alleles (0.0095%); highest among the groups gnomAD compares: East Asian, 0.31%; no homozygotes.

Submission:

PreventionGenetics, part of Exact Sciences
Classification: Likely benign for SHROOM2-related condition. Last evaluated: 2022-03-07. Review status: no assertion criteria provided. Collection method: clinical testing. Allele origin: germline.
Comment: This variant is classified as likely benign based on ACMG/AMP sequence variant interpretation guidelines (Richards et al. 2015 PMID: 25741868, with internal and published modifications).